The following is an entry in ClinVar:

ClinVar aggregate classification (germline): Uncertain significance (1 of 4 stars; one submission).

Submission:

Labcorp Genetics (formerly Invitae), Labcorp
Classification: Uncertain significance. Last evaluated: 2021-11-01. Review status: criteria provided, single submitter. Criteria: Invitae Variant Classification Sherloc (09022015). Collection method: clinical testing. Allele origin: germline.
Comment: This sequence change replaces phenylalanine, which is neutral and non-polar, with tyrosine, which is neutral and polar, at codon 396 of the ARHGEF18 protein (p.Phe396Tyr). This variant is not present in population databases (gnomAD no frequency). This variant has not been reported in the literature in individuals affected with ARHGEF18-related conditions. Algorithms developed to predict the effect of missense changes on protein structure and function are either unavailable or do not agree on the potential impact of this missense change (SIFT: "Tolerated"; PolyPhen-2: "Possibly Damaging"; Align-GVGD: "Class C0"). In summary, the available evidence is currently insufficient to determine the role of this variant in disease. Therefore, it has been classified as a Variant of Uncertain Significance.

NM_001367823.1(ARHGEF18):c.1751T>A (p.Phe584Tyr)

Gene: ARHGEF18 (Rho/Rac guanine nucleotide exchange factor 18; plus strand). Cytogenetic location: 19p13.2.
Variant type: single nucleotide variant.
Coding change: c.1751T>A on transcript NM_001367823.1 (MANE Select); coding-DNA position 1751, T replaced by A.
Protein change: p.Phe584Tyr; replaces phenylalanine 584 with tyrosine.
Molecular consequence: missense variant.
Genome position (GRCh38, 1-based): chr19:7,451,162, T>A. VCF-style: chr19-7451162-T-A. GRCh37 (hg19) VCF-style: chr19-7516048-T-A.
Other names: c.1025T>A, p.Phe342Tyr (NM_001130955.2); c.713T>A, p.Phe238Tyr (NM_001367824.1, NM_015318.4); short protein forms F584Y, F238Y, F342Y.
Identifiers: ClinVar variation 1390782 (VCV001390782.6), dbSNP rs2145833465, ClinGen allele CA403110480.